The following is an entry in ClinVar:

ClinVar aggregate classification (germline): Uncertain significance (1 of 4 stars; one submission).

Conditions:
Kabuki syndrome. Also called: Kabuki make-up syndrome; NIIKAWA-KUROKI SYNDROME. Identifiers: Orphanet 2322, MedGen C0796004, MONDO:0016512.

Submission:

Labcorp Genetics (formerly Invitae), Labcorp
Classification: Uncertain significance for Kabuki syndrome. Last evaluated: 2023-06-29. Review status: criteria provided, single submitter. Criteria: Invitae Variant Classification Sherloc (09022015). Collection method: clinical testing. Allele origin: germline.
Comment: Advanced modeling of protein sequence and biophysical properties (such as structural, functional, and spatial information, amino acid conservation, physicochemical variation, residue mobility, and thermodynamic stability) performed at Invitae indicates that this missense variant is not expected to disrupt KMT2D protein function. In summary, the available evidence is currently insufficient to determine the role of this variant in disease. Therefore, it has been classified as a Variant of Uncertain Significance. ClinVar contains an entry for this variant (Variation ID: 1938194). This variant has not been reported in the literature in individuals affected with KMT2D-related conditions. This sequence change replaces glycine, which is neutral and non-polar, with tryptophan, which is neutral and slightly polar, at codon 2141 of the KMT2D protein (p.Gly2141Trp). This variant is not present in population databases (gnomAD no frequency).

NM_003482.4(KMT2D):c.6421G>T (p.Gly2141Trp)

Gene: KMT2D (lysine methyltransferase 2D; minus strand). Cytogenetic location: 12q13.12.
Variant type: single nucleotide variant.
Coding change: c.6421G>T on transcript NM_003482.4 (MANE Select); coding-DNA position 6421, G replaced by T.
Protein change: p.Gly2141Trp; replaces glycine 2141 with tryptophan.
Molecular consequence: missense variant.
Genome position (GRCh38, 1-based): chr12:49,041,349, C>A on the plus strand (G>T on the coding strand, the complement: KMT2D is on the minus strand). VCF-style: chr12-49041349-C-A. GRCh37 (hg19) VCF-style: chr12-49435132-C-A.
Other names: short protein forms G2141W.
Identifiers: ClinVar variation 1938194 (VCV001938194.5), dbSNP rs373429610, ClinGen allele CA384750921.